The following is an entry in ClinVar:

ClinVar aggregate classification (germline): Uncertain significance (1 of 4 stars; one submission).

gnomAD v4.1: 1 of 152,434 alleles (0.00066%); highest among the groups gnomAD compares: Admixed American, 0.0065%; no homozygotes.

Submission:

CeGaT Center for Human Genetics Tuebingen
Classification: Uncertain significance. Last evaluated: 2026-07-01. Review status: criteria provided, single submitter. Criteria: CeGaT Center For Human Genetics Tuebingen Variant Classification Criteria Version 2. Collection method: clinical testing. Allele origin: germline. Affected: yes. Observed: 1 variant allele.
Comment: NFIB: PM2

NM_001369458.1(NFIB):c.73A>T (p.Met25Leu)

Gene: NFIB (nuclear factor I B; minus strand). Cytogenetic location: 9p22.3.
Variant type: single nucleotide variant.
Coding change: c.73A>T on transcript NM_001369458.1; coding-DNA position 73, A replaced by T.
Protein change: p.Met25Leu; replaces methionine 25 with leucine.
Molecular consequence: missense variant.
Genome position (GRCh38, 1-based): chr9:14,531,970, T>A on the plus strand (A>T on the coding strand, the complement: NFIB is on the minus strand). VCF-style: chr9-14531970-T-A. GRCh37 (hg19) VCF-style: chr9-14531968-T-A.
Other names: c.73A>T, p.Met25Leu (NM_001369459.1, NM_001369462.1, NM_001369468.1); short protein forms M25L.
Identifiers: ClinVar variation 5039750 (VCV005039750.1).